The following is an entry in ClinVar:

ClinVar aggregate classification (germline): Conflicting classifications of pathogenicity. Review status: criteria provided, conflicting classifications (1 of 4 stars). 7 submissions from 7 submitters: Likely pathogenic (6); Uncertain significance (1). Last evaluated 2026-09-03.

Conditions:
COL6A3-related disorder. Also called: COL6A3-related disorders; COL6A3-related condition.
Bethlem myopathy 1A. Also called: Bethlem myopathy 1; Bethlem Muscular Dystrophy; MYOPATHY, BENIGN CONGENITAL, WITH CONTRACTURES. Identifiers: Orphanet 610, MedGen CN029274, MONDO:0024530, OMIM 158810.

Allele frequency attached by ClinVar (database versions not stated): gnomAD exomes below 0.00001; TOPMed below 0.00001; gnomAD 0.00001.
gnomAD v4.1: 8 of 1,614,054 alleles (0.0005%); highest among the groups gnomAD compares: Non-Finnish European, 0.00068%; no homozygotes.

Submissions (7):

GeneDx
Classification: Likely pathogenic. Last evaluated: 2026-09-03. Review status: criteria provided, single submitter. Criteria: GeneDx Variant Classification Process June 2021. Collection method: clinical testing. Allele origin: germline.
Comment: Previously reported in the heterozygous state in two probands with unusually progressive LGMD2A; both individuals were also homozygous for a pathogenic variant in CAPN3 (PMID: 30564623); Observed in individual with congenital vertical talus in published literature; however, additional information was not provided (PMID: 35487415); Replaces the glycine in the canonical Gly-X-Y repeat of the triple helical domain and is expected to disrupt normal protein folding and function, which is an established mechanism of disease (HGMD); Not observed at significant frequency in large population cohorts (gnomAD); In silico analysis supports that this missense variant has a deleterious effect on protein structure/function; This variant is associated with the following publications: (PMID: 31589614, 30564623, 35487415)

PreventionGenetics, part of Exact Sciences
Classification: Likely pathogenic for COL6A3-related condition. Last evaluated: 2026-04-13. Review status: criteria provided, single submitter. Criteria: ACMG Guidelines, 2015. Collection method: clinical testing. Allele origin: germline.
Comment: The COL6A3 c.6890G>C variant is predicted to result in the amino acid substitution p.Gly2297Ala. This variant has been reported in the heterozygous state in two individuals with unusual progressive limb girdle muscular dystrophy 2A (Table S1, Nallamilli et al. 2018. PubMed ID: 30564623). Both individuals also harbored a homozygous pathogenic variant in the CAPN3 gene. At PreventionGenetics, this variant has been detected in the heterozygous state in multiple individuals from one family with connective tissue disorders (Internal Data). This variant has not been reported in a large population database (gnomAD), indicating this variant is rare. This variant occurs in the conserved Gly-X-Y triple helical domain where substitution of the glycine is usually pathogenic (Butterfield et al. 2013. PubMed ID: 24038877). This variant is interpreted as likely pathogenic.

CeGaT Center for Human Genetics Tuebingen
Classification: Likely pathogenic. Last evaluated: 2026-04-01. Review status: criteria provided, single submitter. Criteria: CeGaT Center For Human Genetics Tuebingen Variant Classification Criteria Version 2. Collection method: clinical testing. Allele origin: germline. Affected: yes. Observed: 3 variant alleles.
Comment: COL6A3: PM1:Strong, PM2, PS4:Supporting

Labcorp Genetics (formerly Invitae), Labcorp
Classification: Uncertain significance for Bethlem myopathy 1A. Last evaluated: 2024-04-22. Review status: criteria provided, single submitter. Criteria: Invitae Variant Classification Sherloc (09022015). Collection method: clinical testing. Allele origin: germline.
Comment: This sequence change replaces glycine, which is neutral and non-polar, with alanine, which is neutral and non-polar, at codon 2297 of the COL6A3 protein (p.Gly2297Ala). This variant is not present in population databases (gnomAD no frequency). This missense change has been observed in individual(s) with limb-girdle muscular dystrophy and clinical features of collagenopathies (PMID: 30564623, 35487415). ClinVar contains an entry for this variant (Variation ID: 287133). Advanced modeling of protein sequence and biophysical properties (such as structural, functional, and spatial information, amino acid conservation, physicochemical variation, residue mobility, and thermodynamic stability) performed at Invitae indicates that this missense variant is expected to disrupt COL6A3 protein function with a positive predictive value of 80%. This variant disrupts the triple helix domain of COL6A3. Glycine residues within the Gly-Xaa-Yaa repeats of the triple helix domain are required for the structure and stability of fibrillar collagens (PMID: 7695699, 8218237, 19344236). In COL6A3, missense variants at these glycine residues are significantly enriched in individuals with autosomal dominant disease (PMID: 15689448, 24038877) compared to the general population (ExAC). In summary, the available evidence is currently insufficient to determine the role of this variant in disease. Therefore, it has been classified as a Variant of Uncertain Significance.

Revvity Omics, Revvity
Classification: Likely pathogenic. Last evaluated: 2023-06-28. Review status: criteria provided, single submitter. Criteria: ACMG Guidelines, 2015. Collection method: clinical testing. Allele origin: germline.

Athena Diagnostics
Classification: Likely pathogenic. Last evaluated: 2018-01-12. Review status: criteria provided, single submitter. Criteria: Athena Diagnostics Criteria. Collection method: clinical testing. Allele origin: germline.

Eurofins Ntd Llc (ga)
Classification: Likely pathogenic. Last evaluated: 2016-03-29. Review status: criteria provided, single submitter. Criteria: EGL Classification Definitions 2015. Collection method: clinical testing. Allele origin: germline. Observed: 4 variant alleles, 4 heterozygotes.

Literature cited by the submitters: PubMed 30564623 (cited by Labcorp Genetics (formerly Invitae), Labcorp); PubMed 35487415 (cited by Labcorp Genetics (formerly Invitae), Labcorp); PubMed 7695699 (cited by Labcorp Genetics (formerly Invitae), Labcorp); PubMed 8218237 (cited by Labcorp Genetics (formerly Invitae), Labcorp); PubMed 19344236 (cited by Labcorp Genetics (formerly Invitae), Labcorp); PubMed 15689448 (cited by Labcorp Genetics (formerly Invitae), Labcorp); PubMed 24038877 (cited by Labcorp Genetics (formerly Invitae), Labcorp).

NM_004369.4(COL6A3):c.6890G>C (p.Gly2297Ala)

Gene: COL6A3 (collagen type VI alpha 3 chain; minus strand). Cytogenetic location: 2q37.3.
Variant type: single nucleotide variant.
Coding change: c.6890G>C on transcript NM_004369.4 (MANE Select); coding-DNA position 6890, G replaced by C.
Protein change: p.Gly2297Ala; replaces glycine 2297 with alanine.
Molecular consequence: missense variant.
Genome position (GRCh38, 1-based): chr2:237,348,653, C>G on the plus strand (G>C on the coding strand, the complement: COL6A3 is on the minus strand). VCF-style: chr2-237348653-C-G. GRCh37 (hg19) VCF-style: chr2-238257296-C-G.
Other names: c.5069G>C, p.Gly1690Ala (NM_057166.5); c.6272G>C, p.Gly2091Ala (NM_057167.4); short protein forms G2297A, G1690A, G2091A.
Identifiers: ClinVar variation 287133 (VCV000287133.34), dbSNP rs886043576, ClinGen allele CA10605679.